The following is an entry in ClinVar:

NM_001113378.2(FANCI):c.2114T>C (p.Ile705Thr)

Gene: FANCI (FA complementation group I; plus strand). Cytogenetic location: 15q26.1.
Variant type: single nucleotide variant.
Coding change: c.2114T>C on transcript NM_001113378.2 (MANE Select); coding-DNA position 2114, T replaced by C.
Protein change: p.Ile705Thr; replaces isoleucine 705 with threonine.
Molecular consequence: missense variant.
Genome position (GRCh38, 1-based): chr15:89,292,809, T>C. VCF-style: chr15-89292809-T-C. GRCh37 (hg19) VCF-style: chr15-89836040-T-C.
Other names: c.1835T>C, p.Ile612Thr (NM_001376910.1); c.2114T>C, p.Ile705Thr (NM_001376911.1, NM_018193.3); c.2114T>C (NM_001113378.1); short protein forms I612T, I705T.
Identifiers: ClinVar variation 1487666 (VCV001487666.7), dbSNP rs760554629, ClinGen allele CA7723282.

ClinVar aggregate classification (germline): Uncertain significance. Review status: criteria provided, multiple submitters, no conflicts (2 of 4 stars). 3 submissions from 3 submitters: Uncertain significance (3). Last evaluated 2024-09-03.

Conditions:
Fanconi anemia complementation group I (FANCI). Also called: FANCI-Related Fanconi Anemia. Identifiers: Orphanet 84, MedGen C1836861, MONDO:0012186, OMIM 609053.
Inborn genetic diseases. Identifiers: MedGen C0950123, MeSH D030342.
Fanconi anemia (FA). Also called: Fanconi's anemia. Identifiers: Orphanet 84, MedGen C0015625, MeSH D005199, MONDO:0019391.

Allele frequency attached by ClinVar (database versions not stated): gnomAD exomes below 0.00001 and 0.00001; ExAC 0.00001.

Submissions (3):

Ambry Genetics
Classification: Uncertain significance for Inborn genetic diseases. Last evaluated: 2024-09-03. Review status: criteria provided, single submitter. Criteria: Ambry Variant Classification Scheme 2023. Collection method: clinical testing. Allele origin: germline.

Fulgent Genetics
Classification: Uncertain significance for Fanconi anemia complementation group I. Last evaluated: 2024-03-07. Review status: criteria provided, single submitter. Criteria: ACMG Guidelines, 2015. Collection method: clinical testing. Allele origin: germline.

Labcorp Genetics (formerly Invitae), Labcorp
Classification: Uncertain significance for Fanconi anemia. Last evaluated: 2022-08-23. Review status: criteria provided, single submitter. Criteria: Invitae Variant Classification Sherloc (09022015). Collection method: clinical testing. Allele origin: germline.
Comment: This sequence change replaces isoleucine, which is neutral and non-polar, with threonine, which is neutral and polar, at codon 705 of the FANCI protein (p.Ile705Thr). This variant is present in population databases (rs760554629, gnomAD 0.006%). This variant has not been reported in the literature in individuals affected with FANCI-related conditions. ClinVar contains an entry for this variant (Variation ID: 1487666). Algorithms developed to predict the effect of missense changes on protein structure and function are either unavailable or do not agree on the potential impact of this missense change (SIFT: "Deleterious"; PolyPhen-2: "Benign"; Align-GVGD: "Class C0"). In summary, the available evidence is currently insufficient to determine the role of this variant in disease. Therefore, it has been classified as a Variant of Uncertain Significance.